The following is an entry in ClinVar:

ClinVar aggregate classification (germline): Uncertain significance. Review status: criteria provided, single submitter (1 of 4 stars). 2 submissions from 2 submitters: Uncertain significance (1). 1 of the submissions does not count toward it. Last evaluated 2024-04-06.

Conditions:
IFT172-related disorder. Also called: IFT172-related condition; IFT172-related disorders.
Inborn genetic diseases. Identifiers: MedGen C0950123, MeSH D030342.

Submissions (2):

Ambry Genetics
Classification: Uncertain significance for Inborn genetic diseases. Last evaluated: 2024-04-06. Review status: criteria provided, single submitter. Criteria: Ambry Variant Classification Scheme 2023. Collection method: clinical testing. Allele origin: germline.

PreventionGenetics, part of Exact Sciences
Classification: Uncertain significance for IFT172-related condition. Last evaluated: 2024-03-06. Review status: no assertion criteria provided. Collection method: clinical testing. Allele origin: germline. Not counted in ClinVar's aggregate classification.
Comment: The IFT172 c.4596G>C variant is predicted to result in the amino acid substitution p.Lys1532Asn. To our knowledge, this variant has not been reported in the literature. This variant is reported in 0.0062% of alleles in individuals of African descent in gnomAD. At this time, the clinical significance of this variant is uncertain due to the absence of conclusive functional and genetic evidence.

NM_015662.3(IFT172):c.4596G>C (p.Lys1532Asn)

Gene: IFT172 (intraflagellar transport 172; minus strand). Cytogenetic location: 2p23.3.
Variant type: single nucleotide variant.
Coding change: c.4596G>C on transcript NM_015662.3 (MANE Select); coding-DNA position 4596, G replaced by C.
Protein change: p.Lys1532Asn; replaces lysine 1532 with asparagine.
Molecular consequence: missense variant.
Genome position (GRCh38, 1-based): chr2:27,447,578, C>G on the plus strand (G>C on the coding strand, the complement: IFT172 is on the minus strand). VCF-style: chr2-27447578-C-G. GRCh37 (hg19) VCF-style: chr2-27670445-C-G.
Other names: c.4530G>C, p.Lys1510Asn (NM_001410739.1); c.4596G>C (NM_015662.2); short protein forms K1532N, K1510N.
Identifiers: ClinVar variation 3285419 (VCV003285419.2).